The following is an entry in ClinVar:

ClinVar aggregate classification (germline): Uncertain significance. Review status: criteria provided, single submitter (1 of 4 stars). 2 submissions from 2 submitters: Uncertain significance (1). 1 of the submissions does not count toward it. Last evaluated 2023-12-01.

Allele frequency attached by ClinVar (database versions not stated): gnomAD 0.00001.
gnomAD v4.1: 3 of 1,614,116 alleles (0.00019%); highest among the groups gnomAD compares: African/African-American, 0.0013%; no homozygotes.

Submissions (2):

Labcorp Genetics (formerly Invitae), Labcorp
Classification: Uncertain significance. Last evaluated: 2023-12-01. Review status: criteria provided, single submitter. Criteria: Invitae Variant Classification Sherloc (09022015). Collection method: clinical testing. Allele origin: germline.
Comment: This sequence change replaces histidine, which is basic and polar, with glutamine, which is neutral and polar, at codon 1249 of the NLRP1 protein (p.His1249Gln). This variant is not present in population databases (gnomAD no frequency). This variant has not been reported in the literature in individuals affected with NLRP1-related conditions. ClinVar contains an entry for this variant (Variation ID: 103025). An algorithm developed to predict the effect of missense changes on protein structure and function (PolyPhen-2) suggests that this variant is likely to be disruptive. In summary, the available evidence is currently insufficient to determine the role of this variant in disease. Therefore, it has been classified as a Variant of Uncertain Significance.

Human Evolutionary Genetics, Institut Pasteur
No classification provided. Review status: no classification provided. Collection method: not provided. Allele origin: germline. Not counted in ClinVar's aggregate classification.
ClinVar note: Converted during submission from untested to not provided.

NM_033004.4(NLRP1):c.3747C>A (p.His1249Gln)

Gene: NLRP1 (NLR family pyrin domain containing 1; minus strand). Cytogenetic location: 17p13.2.
Variant type: single nucleotide variant.
Coding change: c.3747C>A on transcript NM_033004.4 (MANE Select); coding-DNA position 3747, C replaced by A.
Protein change: p.His1249Gln; replaces histidine 1249 with glutamine.
Molecular consequence: missense variant.
Genome position (GRCh38, 1-based): chr17:5,521,560, G>T on the plus strand (C>A on the coding strand, the complement: NLRP1 is on the minus strand). VCF-style: chr17-5521560-G-T. GRCh37 (hg19) VCF-style: chr17-5424880-G-T.
Other names: c.3759C>A, p.His1253Gln (NM_001033053.3); c.3747C>A, p.His1249Gln (NM_014922.5); c.3657C>A, p.His1219Gln (NM_033006.4, NM_033007.4); short protein forms H1253Q, H1219Q, H1249Q.
Identifiers: ClinVar variation 103025 (VCV000103025.5), dbSNP rs199475704, ClinGen allele CA018506.